The following is an entry in ClinVar:

NM_001127222.2(CACNA1A):c.1067T>C (p.Leu356Pro)

Genes: CACNA1A (calcium voltage-gated channel subunit alpha1 A; minus strand), LOC126862866 (MED14-independent group 3 enhancer GRCh37_chr19:13445719-13446918; plus strand). Cytogenetic location: 19p13.13.
Variant type: single nucleotide variant.
Coding change: c.1067T>C on transcript NM_001127222.2 (MANE Select); coding-DNA position 1067, T replaced by C.
Protein change: p.Leu356Pro; replaces leucine 356 with proline.
Molecular consequence: missense variant.
Genome position (GRCh38, 1-based): chr19:13,335,821, A>G on the plus strand (T>C on the coding strand, the complement: CACNA1A is on the minus strand). VCF-style: chr19-13335821-A-G. GRCh37 (hg19) VCF-style: chr19-13446635-A-G.
Other names: c.1067T>C, p.Leu356Pro (NM_000068.4, NM_001127221.2, NM_001174080.2 and 1 more transcripts); c.1067T>C (NM_001127221.1); short protein forms L356P.
Identifiers: ClinVar variation 593523 (VCV000593523.14), dbSNP rs1568546568, ClinGen allele CA404346689.
Genomic context (GRCh38, chr19:13,335,821, plus strand): 5'-CAAAGAGGAGTGAGTGGGATGGGGTGGGGAGTAGCAGAAACTTACCCTGACAGCACACCC[A>G]GCACAAGGTTCAGCATAAAAAAGGAGCCGATGATGATGAGGGGGATGAAGTACAACCAGT-3'
Protein context (NP_001120694.1, residues 346-366): IGSFFMLNLV[Leu356Pro]GVLSGEFAKE

ClinVar aggregate classification (germline): Conflicting classifications of pathogenicity. Review status: criteria provided, conflicting classifications (1 of 4 stars). 3 submissions from 3 submitters: Pathogenic (1); Likely pathogenic (1); Uncertain significance (1). Last evaluated 2025-03-11.

Conditions:
Developmental and epileptic encephalopathy, 42 (DEE42A). Also called: DEVELOPMENTAL AND EPILEPTIC ENCEPHALOPATHY 42A; EPILEPTIC ENCEPHALOPATHY, EARLY INFANTILE, 42A; Epileptic encephalopathy, early infantile, 42. Identifiers: MedGen C4310716, MONDO:0014917, OMIM 617106.
Episodic ataxia type 2 (EA2). Also called: ACETAZOLAMIDE-RESPONSIVE HEREDITARY PAROXYSMAL CEREBELLAR ATAXIA; ATAXIA, EPISODIC, WITH NYSTAGMUS; ATAXIA, FAMILIAL PAROXYSMAL; CEREBELLAR ATAXIA, PAROXYSMAL, ACETAZOLAMIDE-RESPONSIVE; CEREBELLOPATHY, HEREDITARY PAROXYSMAL; EPISODIC ATAXIA, NYSTAGMUS-ASSOCIATED. Identifiers: Orphanet 97, MedGen C1720416, MONDO:0007163, OMIM 108500.

Submissions (3):

GeneDx
Classification: Likely pathogenic. Last evaluated: 2025-03-11. Review status: criteria provided, single submitter. Criteria: GeneDx Variant Classification Process June 2021. Collection method: clinical testing. Allele origin: germline. Affected: yes.
Comment: Not observed at significant frequency in large population cohorts (gnomAD); In silico analysis supports that this missense variant has a deleterious effect on protein structure/function; This variant is associated with the following publications: (PMID: 36035117)

Labcorp Genetics (formerly Invitae), Labcorp
Classification: Pathogenic for Developmental and epileptic encephalopathy, 42; Episodic ataxia type 2. Last evaluated: 2021-08-09. Review status: criteria provided, single submitter. Criteria: Invitae Variant Classification Sherloc (09022015). Collection method: clinical testing. Allele origin: germline.
Comment: Advanced modeling of protein sequence and biophysical properties (such as structural, functional, and spatial information, amino acid conservation, physicochemical variation, residue mobility, and thermodynamic stability) performed at Invitae indicates that this missense variant is expected to disrupt CACNA1A protein function. For these reasons, this variant has been classified as Pathogenic. This sequence change replaces leucine with proline at codon 356 of the CACNA1A protein (p.Leu356Pro). The leucine residue is highly conserved and there is a moderate physicochemical difference between leucine and proline. This variant is not present in population databases (ExAC no frequency). This variant has been observed in individual(s) with clinical features of CACNA1A-related conditions (Invitae). In at least one individual the variant was observed to be de novo. ClinVar contains an entry for this variant (Variation ID: 593523).

Eurofins Ntd Llc (ga)
Classification: Uncertain significance. Last evaluated: 2017-08-24. Review status: criteria provided, single submitter. Criteria: EGL Classification Definitions 2015. Collection method: clinical testing. Allele origin: germline. Observed: 1 variant allele, 1 heterozygote.